The following is an entry in ClinVar:

ClinVar aggregate classification (germline): Uncertain significance (1 of 4 stars; one submission).

Allele frequency attached by ClinVar (database versions not stated): gnomAD exomes below 0.00001.
gnomAD v4.1: 1 of 1,613,124 alleles (0.000062%); highest among the groups gnomAD compares: Non-Finnish European, 0.000085%; no homozygotes.

Submission:

Labcorp Genetics (formerly Invitae), Labcorp
Classification: Uncertain significance. Last evaluated: 2021-05-29. Review status: criteria provided, single submitter. Criteria: Invitae Variant Classification Sherloc (09022015). Collection method: clinical testing. Allele origin: germline.
Comment: In summary, the available evidence is currently insufficient to determine the role of this variant in disease. Therefore, it has been classified as a Variant of Uncertain Significance. Advanced modeling of protein sequence and biophysical properties (such as structural, functional, and spatial information, amino acid conservation, physicochemical variation, residue mobility, and thermodynamic stability) performed at Invitae indicates that this missense variant is expected to disrupt MTOR protein function. This variant has not been reported in the literature in individuals with MTOR-related conditions. This variant is not present in population databases (ExAC no frequency). This sequence change replaces alanine with threonine at codon 1135 of the MTOR protein (p.Ala1135Thr). The alanine residue is highly conserved and there is a small physicochemical difference between alanine and threonine.

NM_004958.4(MTOR):c.3403G>A (p.Ala1135Thr)

Gene: MTOR (mechanistic target of rapamycin kinase; minus strand). Cytogenetic location: 1p36.22.
Variant type: single nucleotide variant.
Coding change: c.3403G>A on transcript NM_004958.4 (MANE Select); coding-DNA position 3403, G replaced by A.
Protein change: p.Ala1135Thr; replaces alanine 1135 with threonine.
Molecular consequence: missense variant.
Genome position (GRCh38, 1-based): chr1:11,212,470, C>T on the plus strand (G>A on the coding strand, the complement: MTOR is on the minus strand). VCF-style: chr1-11212470-C-T. GRCh37 (hg19) VCF-style: chr1-11272527-C-T.
Other names: c.3403G>A, p.Ala1135Thr (NM_001386500.1); c.2155G>A, p.Ala719Thr (NM_001386501.1); short protein forms A719T, A1135T.
Identifiers: ClinVar variation 1357024 (VCV001357024.8), dbSNP rs2100793431, ClinGen allele CA338373492.
Genomic context (GRCh38, chr1:11,212,470, plus strand): 5'-TCCGGGAGGCATAGTCAGTGAAATCCAGGGACTCCGTCAGGCGGTCCACAGTCTCTAGCG[C>T]TGCCCTACAACAATCACTAACATACAGTAACTGCTAACATACAATCTCCAAGGAAGAGAC-3'
Protein context (NP_004949.1, residues 1125-1145): PEAPLPSRKA[Ala1135Thr]LETVDRLTES